The following is an entry in ClinVar:

NM_213655.5(WNK1):c.2498C>T (p.Pro833Leu)

Gene: WNK1 (WNK lysine deficient protein kinase 1; plus strand). Cytogenetic location: 12p13.33.
Variant type: single nucleotide variant.
Coding change: c.2498C>T on transcript NM_213655.5 (MANE Plus Clinical); coding-DNA position 2498, C replaced by T.
Protein change: p.Pro833Leu; replaces proline 833 with leucine.
Molecular consequence: missense variant. On other transcripts: intron variant (2).
Genome position (GRCh38, 1-based): chr12:867,969, C>T. VCF-style: chr12-867969-C-T. GRCh37 (hg19) VCF-style: chr12-977135-C-T.
Other names: c.2243C>T, p.Pro748Leu (NM_001184985.2); c.2140-3296C>T (NM_018979.4, NM_014823.3); short protein forms P748L, P833L.
Identifiers: ClinVar variation 4795022 (VCV004795022.1).

ClinVar aggregate classification (germline): Uncertain significance (1 of 4 stars; one submission).

Conditions:
Neuropathy, hereditary sensory and autonomic, type 2A (HSAN2A). Also called: ACROOSTEOLYSIS, GIACCAI TYPE; ACROOSTEOLYSIS, NEUROGENIC; MORVAN DISEASE; NEUROPATHY, CONGENITAL SENSORY; NEUROPATHY, HEREDITARY SENSORY RADICULAR, AUTOSOMAL RECESSIVE; NEUROPATHY, HEREDITARY SENSORY, TYPE IIA. Identifiers: Orphanet 970, MedGen C2752089, MONDO:0024309, OMIM 201300.
Pseudohypoaldosteronism type 2C (PHA2C). Also called: Pseudohypoaldosteronism Type IIC. Identifiers: Orphanet 757, Orphanet 88940, MedGen C1840391, MONDO:0013778, OMIM 614492.

gnomAD v4.1: 22 of 1,613,876 alleles (0.0014%); highest among the groups gnomAD compares: Admixed American, 0.033%; no homozygotes.

Submission:

Labcorp Genetics (formerly Invitae), Labcorp
Classification: Uncertain significance for Neuropathy, hereditary sensory and autonomic, type 2A; Pseudohypoaldosteronism type 2C. Last evaluated: 2025-04-21. Review status: criteria provided, single submitter. Criteria: Invitae Variant Classification Sherloc (09022015). Collection method: clinical testing. Allele origin: germline.
Comment: This sequence change replaces proline, which is neutral and non-polar, with leucine, which is neutral and non-polar, at codon 833 of the WNK1 protein (p.Pro833Leu). This variant is present in population databases (no rsID available, gnomAD 0.01%). This variant has not been reported in the literature in individuals affected with WNK1-related conditions. Invitae Evidence Modeling of protein sequence and biophysical properties (such as structural, functional, and spatial information, amino acid conservation, physicochemical variation, residue mobility, and thermodynamic stability) indicates that this missense variant is not expected to disrupt WNK1 protein function with a negative predictive value of 95%. In summary, the available evidence is currently insufficient to determine the role of this variant in disease. Therefore, it has been classified as a Variant of Uncertain Significance.